The following is an entry in ClinVar:

NM_007289.4(MME):c.844G>T (p.Glu282Ter)

Gene: MME (membrane metalloendopeptidase; plus strand). Cytogenetic location: 3q25.2.
Variant type: single nucleotide variant.
Coding change: c.844G>T on transcript NM_007289.4 (MANE Select); coding-DNA position 844, G replaced by T.
Protein change: p.Glu282Ter; replaces glutamic acid 282 with a stop codon.
Molecular consequence: nonsense.
Genome position (GRCh38, 1-based): chr3:155,138,225, G>T. VCF-style: chr3-155138225-G-T. GRCh37 (hg19) VCF-style: chr3-154856014-G-T.
Other names: c.844G>T, p.Glu282Ter (NM_000902.5, NM_001354642.2, NM_001354643.1 and 2 more transcripts); short protein forms E282*.
Identifiers: ClinVar variation 2629115 (VCV002629115.1), dbSNP rs2473057222, ClinGen allele CA355129446.
Genomic context (GRCh38, chr3:155,138,225, plus strand): 5'-TTGCCCATCGATGAAAACCAGCTTGCTTTGGAAATGAATAAAGTTATGGAATTGGAAAAA[G>T]AAATTGCCAATGTAAAACACATTTTTTTTTCTGATACACTGAATAATGTCAACCGCTTTT-3'

ClinVar aggregate classification (germline): Likely pathogenic (1 of 4 stars; one submission).

Conditions:
MME-related disorder. Also called: MME-related condition.

Submission:

PreventionGenetics, part of Exact Sciences
Classification: Likely pathogenic for MME-related condition. Last evaluated: 2023-01-17. Review status: criteria provided, single submitter. Criteria: ACMG Guidelines, 2015. Collection method: clinical testing. Allele origin: germline.
Comment: The MME c.844G>T variant is predicted to result in premature protein termination (p.Glu282*). To our knowledge, this variant has not been reported in the literature or in a large population database, indicating this variant is rare. Nonsense variants in MME are expected to be pathogenic. This variant is interpreted as likely pathogenic.